The following is an entry in ClinVar:

ClinVar aggregate classification (germline): Uncertain significance. Review status: criteria provided, multiple submitters, no conflicts (2 of 4 stars). 3 submissions from 3 submitters: Uncertain significance (3). Last evaluated 2024-06-10.

gnomAD v4.1: 7 of 1,612,388 alleles (0.00043%); highest among the groups gnomAD compares: Non-Finnish European, 0.00059%; no homozygotes.

Submissions (3):

GeneDx
Classification: Uncertain significance. Last evaluated: 2024-06-10. Review status: criteria provided, single submitter. Criteria: GeneDx Variant Classification Process June 2021. Collection method: clinical testing. Allele origin: germline. Affected: yes.
Comment: Not observed at significant frequency in large population cohorts (gnomAD); In silico analysis indicates that this missense variant does not alter protein structure/function; Has not been previously published as pathogenic or benign to our knowledge

Blueprint Genetics
Classification: Uncertain significance. Last evaluated: 2022-02-24. Review status: criteria provided, single submitter. Criteria: ACMG Guidelines, 2015. Collection method: clinical testing. Allele origin: germline.

Labcorp Genetics (formerly Invitae), Labcorp
Classification: Uncertain significance. Last evaluated: 2021-09-05. Review status: criteria provided, single submitter. Criteria: Invitae Variant Classification Sherloc (09022015). Collection method: clinical testing. Allele origin: germline.
Comment: In summary, the available evidence is currently insufficient to determine the role of this variant in disease. Therefore, it has been classified as a Variant of Uncertain Significance. Algorithms developed to predict the effect of missense changes on protein structure and function are either unavailable or do not agree on the potential impact of this missense change (SIFT: "Tolerated"; PolyPhen-2: "Probably Damaging"; Align-GVGD: "Class C0"). This variant has not been reported in the literature in individuals affected with WHRN-related conditions. This variant is not present in population databases (ExAC no frequency). This sequence change replaces asparagine with lysine at codon 854 of the WHRN protein (p.Asn854Lys). The asparagine residue is highly conserved and there is a moderate physicochemical difference between asparagine and lysine.

NM_015404.4(WHRN):c.2562C>A (p.Asn854Lys)

Gene: WHRN (whirlin; minus strand). Cytogenetic location: 9q32.
Variant type: single nucleotide variant.
Coding change: c.2562C>A on transcript NM_015404.4 (MANE Select); coding-DNA position 2562, C replaced by A.
Protein change: p.Asn854Lys; replaces asparagine 854 with lysine.
Molecular consequence: missense variant.
Genome position (GRCh38, 1-based): chr9:114,402,916, G>T on the plus strand (C>A on the coding strand, the complement: WHRN is on the minus strand). VCF-style: chr9-114402916-G-T. GRCh37 (hg19) VCF-style: chr9-117165196-G-T.
Other names: c.1413C>A, p.Asn471Lys (NM_001083885.3); c.2559C>A, p.Asn853Lys (NM_001173425.2); c.1509C>A, p.Asn503Lys (NM_001346890.1); c.2562C>A (NM_015404.2); short protein forms N471K, N854K, N853K, N503K.
Identifiers: ClinVar variation 1391572 (VCV001391572.6), dbSNP rs772831300, ClinGen allele CA374619057.